The following is an entry in ClinVar:

NM_020702.5(MYORG):c.1488C>G (p.Pro496=)

Gene: MYORG (myogenesis regulating glycosidase; minus strand). Cytogenetic location: 9p13.3.
Variant type: single nucleotide variant.
Coding change: c.1488C>G on transcript NM_020702.5 (MANE Select); coding-DNA position 1488, C replaced by G.
Protein change: p.Pro496=; no amino-acid change (proline 496 retained).
Molecular consequence: synonymous variant.
Genome position (GRCh38, 1-based): chr9:34,371,456, G>C on the plus strand (C>G on the coding strand, the complement: MYORG is on the minus strand). VCF-style: chr9-34371456-G-C. GRCh37 (hg19) VCF-style: chr9-34371454-G-C.
Other names: c.1488C>G (NM_020702.4).
Identifiers: ClinVar variation 1168119 (VCV001168119.12), dbSNP rs41311426, ClinGen allele CA5032913.

ClinVar aggregate classification (germline): Benign. Review status: criteria provided, multiple submitters, no conflicts (2 of 4 stars). 3 submissions from 3 submitters: Benign (2). 1 of the submissions does not count toward it. Last evaluated 2026-01-31.

Conditions:
MYORG-related disorder. Also called: MYORG-related condition.

Allele frequency attached by ClinVar (database versions not stated): 1000 Genomes Project 0.00879; ESP Exome Variant Server 0.01652; 1000 Genomes Project 30x 0.00890; ExAC 0.01526; gnomAD 0.01591.
gnomAD v4.1: 36,272 of 1,612,876 alleles (2.2%); highest among the groups gnomAD compares: Non-Finnish European, 2.7%; 500 homozygotes.

Submissions (3):

Labcorp Genetics (formerly Invitae), Labcorp
Classification: Benign. Last evaluated: 2026-01-31. Review status: criteria provided, single submitter. Criteria: Invitae Variant Classification Sherloc (09022015). Collection method: clinical testing. Allele origin: germline.

Breakthrough Genomics
Classification: Benign. Review status: criteria provided, single submitter. Criteria: ACMG Guidelines, 2015. Collection method: not provided. Allele origin: germline. Inheritance: Autosomal recessive inheritance. Affected: yes.

PreventionGenetics, part of Exact Sciences
Classification: Benign for MYORG-related condition. Last evaluated: 2019-12-16. Review status: no assertion criteria provided. Collection method: clinical testing. Allele origin: germline. Not counted in ClinVar's aggregate classification.
Comment: This variant is classified as benign based on ACMG/AMP sequence variant interpretation guidelines (Richards et al. 2015 PMID: 25741868, with internal and published modifications).